The following is an entry in ClinVar:

NM_003718.5(CDK13):c.2252G>A (p.Arg751Gln)

Gene: CDK13 (cyclin dependent kinase 13; plus strand). Cytogenetic location: 7p14.1.
Variant type: single nucleotide variant.
Coding change: c.2252G>A on transcript NM_003718.5 (MANE Select); coding-DNA position 2252, G replaced by A.
Protein change: p.Arg751Gln; replaces arginine 751 with glutamine.
Molecular consequence: missense variant.
Genome position (GRCh38, 1-based): chr7:40,001,930, G>A. VCF-style: chr7-40001930-G-A. GRCh37 (hg19) VCF-style: chr7-40041529-G-A.
Other names: c.2252G>A, p.Arg751Gln (NM_031267.4); short protein forms R751Q.
Identifiers: ClinVar variation 375739 (VCV000375739.10), dbSNP rs1057519634, ClinGen allele CA16044434.

ClinVar aggregate classification (germline): Pathogenic/Likely pathogenic. Review status: criteria provided, multiple submitters, no conflicts (2 of 4 stars). 5 submissions from 5 submitters: Pathogenic (1); Likely pathogenic (3). 1 of the submissions does not count toward it. Last evaluated 2023-03-16.

Conditions:
Congenital heart defects, dysmorphic facial features, and intellectual developmental disorder (CHDFIDD). Identifiers: Orphanet 646278, MedGen C4479246, MONDO:0044302, OMIM 617360.

Allele frequency attached by ClinVar (database versions not stated): gnomAD exomes below 0.00001.
gnomAD v4.1: 2 of 1,610,756 alleles (0.00012%); highest among the groups gnomAD compares: Non-Finnish European, 0.00017%; no homozygotes.

Submissions (5):

Labcorp Genetics (formerly Invitae), Labcorp
Classification: Likely pathogenic. Last evaluated: 2023-03-16. Review status: criteria provided, single submitter. Criteria: Invitae Variant Classification Sherloc (09022015). Collection method: clinical testing. Allele origin: germline.
Comment: This sequence change replaces arginine, which is basic and polar, with glutamine, which is neutral and polar, at codon 751 of the CDK13 protein (p.Arg751Gln). This variant is not present in population databases (gnomAD no frequency). This missense change has been observed in individual(s) with clinical features of CDK13-related conditions (PMID: 29021403). In at least one individual the variant was observed to be de novo. ClinVar contains an entry for this variant (Variation ID: 375739). Advanced modeling of protein sequence and biophysical properties (such as structural, functional, and spatial information, amino acid conservation, physicochemical variation, residue mobility, and thermodynamic stability) performed at Invitae indicates that this missense variant is expected to disrupt CDK13 protein function. In summary, the currently available evidence indicates that the variant is pathogenic, but additional data are needed to prove that conclusively. Therefore, this variant has been classified as Likely Pathogenic.

Genetics and Molecular Pathology, SA Pathology
Classification: Likely pathogenic for Congenital heart defects, dysmorphic facial features, and intellectual developmental disorder. Last evaluated: 2022-12-28. Review status: criteria provided, single submitter. Criteria: ACMG Guidelines, 2015. Collection method: clinical testing. Allele origin: germline. Affected: yes.

Center of Genomic medicine, Geneva, University Hospital of Geneva
Classification: Pathogenic for Congenital heart defects, dysmorphic facial features, and intellectual developmental disorder. Last evaluated: 2018-02-23. Review status: criteria provided, single submitter. Criteria: ACMG Guidelines, 2015. Collection method: clinical testing. Allele origin: maternal. Affected: yes. Observed: 2 variant alleles.

Juno Genomics, Hangzhou Juno Genomics, Inc
Classification: Likely pathogenic for Congenital heart defects, dysmorphic facial features, and intellectual developmental disorder. Review status: criteria provided, single submitter. Criteria: ACMG Guidelines, 2015. Collection method: clinical testing. Allele origin: germline. Affected: yes.
Comment: Absent from controls (or at extremely low frequency if recessive) in Genome Aggregation Database, Exome Sequencing Project, 1000 Genomes Project, or Exome Aggregation Consortium.;The prevalence of the variant in affected individuals is significantly increased compared to the prevalence in controls.;Assumed de novo, but without confirmation of paternity and maternity.;Located in a mutational hot spot and/or critical and well-established functional domain (e.g. active site of an enzyme) without benign variation.;Multiple lines of computational evidence support a deleterious effect on the gene or gene product (conservation, evolutionary, splicing impact, etc).

OMIM
Classification: Pathogenic for CONGENITAL HEART DEFECTS, DYSMORPHIC FACIAL FEATURES, AND INTELLECTUAL DEVELOPMENTAL DISORDER. Last evaluated: 2017-02-24. Review status: no assertion criteria provided. Collection method: literature only. Allele origin: germline. Not counted in ClinVar's aggregate classification.

Literature cited by the submitters: PubMed 29021403 (cited by Labcorp Genetics (formerly Invitae), Labcorp); PubMed 27479907 (cited by OMIM).